The following is an entry in ClinVar:

ClinVar aggregate classification (germline): Uncertain significance (1 of 4 stars; one submission).

Conditions:
Inborn genetic diseases. Identifiers: MedGen C0950123, MeSH D030342.

Submission:

Ambry Genetics
Classification: Uncertain significance for Inborn genetic diseases. Last evaluated: 2024-05-06. Review status: criteria provided, single submitter. Criteria: Ambry Variant Classification Scheme 2023. Collection method: clinical testing. Allele origin: germline.
Comment: The p.A164S variant (also known as c.490G>T), located in coding exon 5 of the BUB1B gene, results from a G to T substitution at nucleotide position 490. The alanine at codon 164 is replaced by serine, an amino acid with similar properties. This amino acid position is conserved. In addition, this alteration is predicted to be tolerated by in silico analysis. Based on the available evidence, the clinical significance of this variant remains unclear.

NM_001211.6(BUB1B):c.490G>T (p.Ala164Ser)

Gene: BUB1B (BUB1 mitotic checkpoint serine/threonine kinase B; plus strand). Cytogenetic location: 15q15.1.
Variant type: single nucleotide variant.
Coding change: c.490G>T on transcript NM_001211.6 (MANE Select); coding-DNA position 490, G replaced by T.
Protein change: p.Ala164Ser; replaces alanine 164 with serine.
Molecular consequence: missense variant.
Genome position (GRCh38, 1-based): chr15:40,176,582, G>T. VCF-style: chr15-40176582-G-T. GRCh37 (hg19) VCF-style: chr15-40468783-G-T.
Other names: short protein forms A164S.
Identifiers: ClinVar variation 3262254 (VCV003262254.1).
Genomic context (GRCh38, chr15:40,176,582, plus strand): 5'-AACCAAGGGATTGGTGTTTCACTTGCTCAGTTCTATATCTCATGGGCAGAAGAATATGAA[G>T]CTAGAGAAAACTTTAGGAAAGCAGATGCGATATTTCAGGAAGGGATTCAACAGAAGGCTG-3'
Protein context (NP_001202.5, residues 154-174): FYISWAEEYE[Ala164Ser]RENFRKADAI